The following is an entry in ClinVar:

ClinVar aggregate classification (germline): Uncertain significance (1 of 4 stars; one submission).

Allele frequency attached by ClinVar (database versions not stated): gnomAD exomes below 0.00001.
gnomAD v4.1: 1 of 1,614,018 alleles (0.000062%); highest among the groups gnomAD compares: Non-Finnish European, 0.000085%; no homozygotes.

Submission:

GeneDx
Classification: Uncertain significance. Last evaluated: 2020-01-10. Review status: criteria provided, single submitter. Criteria: GeneDx Variant Classification Process June 2021. Collection method: clinical testing. Allele origin: germline. Affected: yes.
Comment: Not observed in large population cohorts (Lek et al., 2016); In silico analysis, which includes protein predictors and evolutionary conservation, supports that this variant does not alter protein structure/function; Has not been previously published as pathogenic or benign to our knowledge

NM_003470.3(USP7):c.2756G>A (p.Arg919Gln)

Gene: USP7 (ubiquitin specific peptidase 7; minus strand). Cytogenetic location: 16p13.2.
Variant type: single nucleotide variant.
Coding change: c.2756G>A on transcript NM_003470.3 (MANE Select); coding-DNA position 2756, G replaced by A.
Protein change: p.Arg919Gln; replaces arginine 919 with glutamine.
Molecular consequence: missense variant. On other transcripts: non-coding transcript variant (1).
Genome position (GRCh38, 1-based): chr16:8,897,062, C>T on the plus strand (G>A on the coding strand, the complement: USP7 is on the minus strand). VCF-style: chr16-8897062-C-T. GRCh37 (hg19) VCF-style: chr16-8990919-C-T.
Other names: c.2708G>A, p.Arg903Gln (NM_001286457.2); c.2459G>A, p.Arg820Gln (NM_001286458.2); c.2582G>A, p.Arg861Gln (NM_001321858.2); short protein forms R820Q, R861Q, R903Q, R919Q.
Identifiers: ClinVar variation 1316885 (VCV001316885.2), dbSNP rs918769098, ClinGen allele CA277501579.
Genomic context (GRCh38, chr16:8,897,062, plus strand): 5'-AGTTTCCCTGATGCTTTCTCCCCAAGCTCCACGGCCTTTTTACATTCTTCTAACAGGTCC[C>T]GGACACACCCATGCTTGTCTGGATATAGTGTTATTTCCTAAGTAATGAAAAGATAAAATA-3'
Protein context (NP_003461.2, residues 909-929): TLYPDKHGCV[Arg919Gln]DLLEECKKAV